The following is an entry in ClinVar:

NM_182925.5(FLT4):c.722A>G (p.Glu241Gly)

Gene: FLT4 (fms related receptor tyrosine kinase 4; minus strand). Cytogenetic location: 5q35.3.
Variant type: single nucleotide variant.
Coding change: c.722A>G on transcript NM_182925.5 (MANE Select); coding-DNA position 722, A replaced by G.
Protein change: p.Glu241Gly; replaces glutamic acid 241 with glycine.
Molecular consequence: missense variant.
Genome position (GRCh38, 1-based): chr5:180,629,790, T>C on the plus strand (A>G on the coding strand, the complement: FLT4 is on the minus strand). VCF-style: chr5-180629790-T-C. GRCh37 (hg19) VCF-style: chr5-180056790-T-C.
Other names: c.722A>G, p.Glu241Gly (NM_001354989.2, NM_002020.5); short protein forms E241G.
Identifiers: ClinVar variation 2632446 (VCV002632446.1), dbSNP rs2480986967, ClinGen allele CA362505988.

ClinVar aggregate classification (germline): Uncertain significance (1 of 4 stars; one submission).

Conditions:
FLT4-related disorder. Also called: FLT4-related condition.

Submission:

PreventionGenetics, part of Exact Sciences
Classification: Uncertain significance for FLT4-related condition. Last evaluated: 2023-07-12. Review status: criteria provided, single submitter. Criteria: ACMG Guidelines, 2015. Collection method: clinical testing. Allele origin: germline.
Comment: The FLT4 c.722A>G variant is predicted to result in the amino acid substitution p.Glu241Gly. To our knowledge, this variant has not been reported in the literature or in a large population database, indicating this variant is rare. At this time, the clinical significance of this variant is uncertain due to the absence of conclusive functional and genetic evidence.